The following is an entry in ClinVar:

ClinVar aggregate classification (germline): Conflicting classifications of pathogenicity. Review status: criteria provided, conflicting classifications (1 of 4 stars). 4 submissions from 4 submitters: Uncertain significance (1); Likely benign (2). 1 of the submissions does not count toward it. Last evaluated 2026-01-26.

Conditions:
Deficiency of alpha-mannosidase (MANSA). Also called: Alpha-Mannosidosis; LYSOSOMAL ALPHA-D-MANNOSIDASE DEFICIENCY; Mannosidosis, alpha-, types I and II. Identifiers: Orphanet 61, MedGen C0024748, MONDO:0009561, OMIM 248500.

Allele frequency attached by ClinVar (database versions not stated): gnomAD below 0.00001 and 0.00013; TOPMed 0.00002; gnomAD exomes 0.00035; ExAC 0.00046; 1000 Genomes Project 30x 0.00062; 1000 Genomes Project 0.00080.
gnomAD v4.1: 290 of 1,614,112 alleles (0.018%); highest among the groups gnomAD compares: South Asian, 0.3%; 5 homozygotes.

Submissions (4):

Labcorp Genetics (formerly Invitae), Labcorp
Classification: Likely benign for Deficiency of alpha-mannosidase. Last evaluated: 2026-01-26. Review status: criteria provided, single submitter. Criteria: Invitae Variant Classification Sherloc (09022015). Collection method: clinical testing. Allele origin: germline.

GeneDx
Classification: Uncertain significance. Last evaluated: 2019-11-10. Review status: criteria provided, single submitter. Criteria: GeneDx Variant Classification Process June 2021. Collection method: clinical testing. Allele origin: germline. Affected: yes.
Comment: Has not been previously published as pathogenic or benign to our knowledge; In silico analysis, which includes protein predictors and evolutionary conservation, supports a deleterious effect

Illumina Laboratory Services, Illumina
Classification: Likely benign for Deficiency of alpha-mannosidase. Last evaluated: 2018-01-13. Review status: criteria provided, single submitter. Criteria: ICSL Variant Classification Criteria 13 December 2019. Collection method: clinical testing. Allele origin: germline.
Comment: This variant was observed in the ICSL laboratory as part of a predisposition screen in an ostensibly healthy population. It had not been previously curated by ICSL or reported in the Human Gene Mutation Database (HGMD: prior to June 1st, 2018), and was therefore a candidate for classification through an automated scoring system. Utilizing variant allele frequency, disease prevalence and penetrance estimates, and inheritance mode, an automated score was calculated to assess if this variant is too frequent to cause the disease. Based on the score and internal cut-off values, a variant classified as likely benign is not then subjected to further curation. The score for this variant resulted in a classification of likely benign for this disease.

Natera, Inc.
Classification: Benign for Alpha-mannosidosis. Last evaluated: 2020-06-16. Review status: no assertion criteria provided. Collection method: clinical testing. Allele origin: germline. Not counted in ClinVar's aggregate classification.

NM_000528.4(MAN2B1):c.1850A>G (p.Asp617Gly)

Gene: MAN2B1 (mannosidase alpha class 2B member 1; minus strand). Cytogenetic location: 19p13.13.
Variant type: single nucleotide variant.
Coding change: c.1850A>G on transcript NM_000528.4 (MANE Select); coding-DNA position 1850, A replaced by G.
Protein change: p.Asp617Gly; replaces aspartic acid 617 with glycine.
Molecular consequence: missense variant.
Genome position (GRCh38, 1-based): chr19:12,652,441, T>C on the plus strand (A>G on the coding strand, the complement: MAN2B1 is on the minus strand). VCF-style: chr19-12652441-T-C. GRCh37 (hg19) VCF-style: chr19-12763255-T-C.
Other names: c.1847A>G, p.Asp616Gly (NM_001173498.2); short protein forms D616G, D617G.
Identifiers: ClinVar variation 712788 (VCV000712788.16), dbSNP rs370382032, ClinGen allele CA9226289.